The following is an entry in ClinVar:

ClinVar aggregate classification (germline): Uncertain significance (1 of 4 stars; one submission).

Submission:

GeneDx
Classification: Uncertain significance. Last evaluated: 2025-07-14. Review status: criteria provided, single submitter. Criteria: GeneDx Variant Classification Process June 2021. Collection method: clinical testing. Allele origin: germline. Affected: yes.
Comment: Not observed at significant frequency in large population cohorts (gnomAD); In silico analysis supports that this missense variant has a deleterious effect on protein structure/function; Has not been previously published as pathogenic or benign to our knowledge

NM_006496.4(GNAI3):c.992A>T (p.Asn331Ile)

Gene: GNAI3 (G protein subunit alpha i3; plus strand). Cytogenetic location: 1p13.3.
Variant type: single nucleotide variant.
Coding change: c.992A>T on transcript NM_006496.4 (MANE Select); coding-DNA position 992, A replaced by T.
Protein change: p.Asn331Ile; replaces asparagine 331 with isoleucine.
Molecular consequence: missense variant.
Genome position (GRCh38, 1-based): chr1:109,592,160, A>T. VCF-style: chr1-109592160-A-T. GRCh37 (hg19) VCF-style: chr1-110134782-A-T.
Other names: short protein forms N331I.
Identifiers: ClinVar variation 4686438 (VCV004686438.1).